The following is an entry in ClinVar:

ClinVar aggregate classification (germline): Pathogenic. Review status: criteria provided, single submitter (1 of 4 stars). 2 submissions from 2 submitters: Pathogenic (1). 1 of the submissions does not count toward it. Last evaluated 2022-10-18.

Conditions:
Multiple congenital anomalies-hypotonia-seizures syndrome 1 (MCAHS1). Also called: GLYCOSYLPHOSPHATIDYLINOSITOL BIOSYNTHESIS DEFECT 3; PIGN-CDG; Congenital disorder of glycosylation due to PIGN deficiency. Identifiers: Orphanet 280633, MedGen C3279775, MONDO:0013563, OMIM 614080.

Submissions (2):

Labcorp Genetics (formerly Invitae), Labcorp
Classification: Pathogenic for Multiple congenital anomalies-hypotonia-seizures syndrome 1. Last evaluated: 2022-10-18. Review status: criteria provided, single submitter. Criteria: Invitae Variant Classification Sherloc (09022015). Collection method: clinical testing. Allele origin: germline.
Comment: Algorithms developed to predict the effect of sequence changes on RNA splicing suggest that this variant may disrupt the consensus splice site. For these reasons, this variant has been classified as Pathogenic. ClinVar contains an entry for this variant (Variation ID: 264639). This premature translational stop signal has been observed in individual(s) with PIGN-related conditions (PMID: 27038415). The frequency data for this variant in the population databases is considered unreliable, as metrics indicate poor data quality at this position in the gnomAD database. This sequence change creates a premature translational stop signal (p.Gln656*) in the PIGN gene. It is expected to result in an absent or disrupted protein product. Loss-of-function variants in PIGN are known to be pathogenic (PMID: 24253414, 27038415).

OMIM
Classification: Pathogenic for MULTIPLE CONGENITAL ANOMALIES-HYPOTONIA-SEIZURES SYNDROME 1. Last evaluated: 2016-09-29. Review status: no assertion criteria provided. Collection method: literature only. Allele origin: germline. Not counted in ClinVar's aggregate classification.

Literature cited by the submitters: PubMed 27038415 (cited by Labcorp Genetics (formerly Invitae), Labcorp and OMIM); PubMed 24253414 (cited by Labcorp Genetics (formerly Invitae), Labcorp).

NM_176787.5(PIGN):c.1966C>T (p.Gln656Ter)

Gene: PIGN (phosphatidylinositol glycan anchor biosynthesis class N; minus strand). Cytogenetic location: 18q21.33.
Variant type: single nucleotide variant.
Coding change: c.1966C>T on transcript NM_176787.5 (MANE Select); coding-DNA position 1966, C replaced by T.
Protein change: p.Gln656Ter; replaces glutamine 656 with a stop codon.
Molecular consequence: nonsense.
Genome position (GRCh38, 1-based): chr18:62,102,796, G>A on the plus strand (C>T on the coding strand, the complement: PIGN is on the minus strand). VCF-style: chr18-62102796-G-A. GRCh37 (hg19) VCF-style: chr18-59770029-G-A.
Other names: E656*; c.1966C>T, p.Gln656Ter (NM_012327.6); short protein forms Q656*.
Identifiers: ClinVar variation 264639 (VCV000264639.6), dbSNP rs886039217, ClinGen allele CA10587986.
Genomic context (GRCh38, chr18:62,102,796, plus strand): 5'-ATAAGACACATTTCAGTATATCATTAGTATAACATAGTATTGAAAATCTGTAACTGACCT[G>A]TAACAGATGTACCAATAGCTCTTCCTTTATAAAGCTATCTTTTCTTTTCATGAGAGATGT-3'